The following is an entry in ClinVar:

ClinVar aggregate classification (germline): Pathogenic. Review status: criteria provided, multiple submitters, no conflicts (2 of 4 stars). 2 submissions from 2 submitters: Pathogenic (2). Last evaluated 2024-08-22.

Conditions:
Hereditary cancer-predisposing syndrome. Also called: Hereditary Cancer Syndrome; Hereditary neoplastic syndrome; Tumor predisposition; Neoplastic Syndromes, Hereditary. Identifiers: Orphanet 140162, MedGen C0027672, MeSH D009386, MONDO:0015356.
Cardiovascular phenotype. Identifiers: MedGen CN230736.

Submissions (2):

Ambry Genetics
Classification: Pathogenic for Cardiovascular phenotype; Hereditary cancer-predisposing syndrome. Last evaluated: 2024-08-22. Review status: criteria provided, single submitter. Criteria: Ambry Variant Classification Scheme 2023. Collection method: clinical testing. Allele origin: germline.
Comment: The c.752_758dupTAACCAA pathogenic mutation, located in coding exon 8 of the LZTR1 gene, results from a duplication of TAACCAA at nucleotide position 752, causing a translational frameshift with a predicted alternate stop codon (p.L255Qfs*7). This variant is considered to be rare based on population cohorts in the Genome Aggregation Database (gnomAD). This alteration is expected to result in loss of function by premature protein truncation or nonsense-mediated mRNA decay. Loss-of-function variants in LZTR1 are related to an increased risk for schwannomas and autosomal recessive Noonan syndrome; however, such associations with autosomal dominant Noonan syndrome have not been observed (Piotrowski A et al. Nat Genet. 2014 Feb;46:182-7; Yamamoto GL et al. J Med Genet. 2015 Jun;52:413-21; Johnston JJ et al. Genet Med. 2018 10;20:1175-1185). Based on the supporting evidence, this variant is pathogenic for an increased risk of LZTR1-related schwannomatosis (SWN) and would be expected to cause autosomal recessive Noonan syndrome when present along with a second pathogenic or likely pathogenic variant on the other allele; however, the association of this alteration with autosomal dominant Noonan syndrome is unlikely.

Labcorp Genetics (formerly Invitae), Labcorp
Classification: Pathogenic. Last evaluated: 2024-01-31. Review status: criteria provided, single submitter. Criteria: Invitae Variant Classification Sherloc (09022015). Collection method: clinical testing. Allele origin: germline.
Comment: This sequence change creates a premature translational stop signal (p.Leu255Glnfs*7) in the LZTR1 gene. It is expected to result in an absent or disrupted protein product. Loss-of-function variants in LZTR1 are known to be pathogenic (PMID: 24362817, 25335493, 25480913, 25795793, 29469822, 30368668, 30442762, 30442766, 30481304, 30859559). This variant is not present in population databases (gnomAD no frequency). This variant has not been reported in the literature in individuals affected with LZTR1-related conditions. For these reasons, this variant has been classified as Pathogenic.

Literature cited by the submitters: PubMed 24362817 (cited by Labcorp Genetics (formerly Invitae), Labcorp); PubMed 25335493 (cited by Labcorp Genetics (formerly Invitae), Labcorp); PubMed 25480913 (cited by Labcorp Genetics (formerly Invitae), Labcorp); PubMed 25795793 (cited by Labcorp Genetics (formerly Invitae), Labcorp); PubMed 29469822 (cited by Labcorp Genetics (formerly Invitae), Labcorp); PubMed 30368668 (cited by Labcorp Genetics (formerly Invitae), Labcorp); PubMed 30442762 (cited by Labcorp Genetics (formerly Invitae), Labcorp); PubMed 30442766 (cited by Labcorp Genetics (formerly Invitae), Labcorp); PubMed 30481304 (cited by Labcorp Genetics (formerly Invitae), Labcorp); PubMed 30859559 (cited by Labcorp Genetics (formerly Invitae), Labcorp).

NM_006767.4(LZTR1):c.752_758dup (p.Leu255fs)

Gene: LZTR1 (leucine zipper like post translational regulator 1; plus strand). Cytogenetic location: 22q11.21.
Variant type: Duplication.
Coding change: c.752_758dup on transcript NM_006767.4 (MANE Select); coding-DNA positions 752 to 758, 7 bases duplicated (TAACCAA; older notation c.752_758dupTAACCAA).
Protein change: p.Leu255fs; shifts the reading frame from leucine 255.
Molecular consequence: frameshift variant.
Genome position (GRCh38, 1-based): chr22:20,990,486-20,990,492, TAACCAA duplicated; duplicating any 7 consecutive bases within chr22:20,990,484-20,990,492 gives the same sequence; the c. name uses the placement nearest the transcript's 3' end. VCF-style (leftmost placement, unchanged base first): chr22-20990483-A-AAATAACC. GRCh37 (hg19) VCF-style: chr22-21344772-A-AAATAACC.
Other names: short protein forms L255fs.
Identifiers: ClinVar variation 3541563 (VCV003541563.3).